The following is an entry in ClinVar:

ClinVar aggregate classification (germline): Conflicting classifications of pathogenicity. Review status: criteria provided, conflicting classifications (1 of 4 stars). 2 submissions from 2 submitters: Uncertain significance (1); Likely benign (1). Last evaluated 2026-01-27.

Allele frequency attached by ClinVar (database versions not stated): gnomAD exomes below 0.00001; TOPMed below 0.00001; gnomAD 0.00005.
gnomAD v4.1: 23 of 1,607,878 alleles (0.0014%); highest among the groups gnomAD compares: Admixed American, 0.015%; 1 homozygote.

Submissions (2):

Labcorp Genetics (formerly Invitae), Labcorp
Classification: Uncertain significance. Last evaluated: 2026-01-27. Review status: criteria provided, single submitter. Criteria: Invitae Variant Classification Sherloc (09022015). Collection method: clinical testing. Allele origin: germline.
Comment: This sequence change replaces serine, which is neutral and polar, with proline, which is neutral and non-polar, at codon 160 of the PAX5 protein (p.Ser160Pro). The frequency data for this variant in the population databases is considered unreliable, as metrics indicate poor data quality at this position in the gnomAD database. This variant has not been reported in the literature in individuals affected with PAX5-related conditions. ClinVar contains an entry for this variant (Variation ID: 2851227). An algorithm developed to predict the effect of missense changes on protein structure and function (PolyPhen-2) suggests that this variant is likely to be tolerated. In summary, the available evidence is currently insufficient to determine the role of this variant in disease. Therefore, it has been classified as a Variant of Uncertain Significance.

Blueprint Genetics
Classification: Likely benign. Last evaluated: 2024-10-23. Review status: criteria provided, single submitter. Criteria: ACMG Guidelines, 2015. Collection method: clinical testing. Allele origin: germline.

NM_016734.3(PAX5):c.478T>C (p.Ser160Pro)

Genes: PAX5 (paired box 5; minus strand), LOC105376032 (uncharacterized LOC105376032; plus strand). Cytogenetic location: 9p13.2.
Variant type: single nucleotide variant.
Coding change: c.478T>C on transcript NM_016734.3 (MANE Select); coding-DNA position 478, T replaced by C.
Protein change: p.Ser160Pro; replaces serine 160 with proline.
Molecular consequence: missense variant. On other transcripts: non-coding transcript variant (4), intron variant (2).
Genome position (GRCh38, 1-based): chr9:37,002,774, A>G on the plus strand (T>C on the coding strand, the complement: PAX5 is on the minus strand). VCF-style: chr9-37002774-A-G. GRCh37 (hg19) VCF-style: chr9-37002771-A-G.
Other names: c.478T>C, p.Ser160Pro (NM_001280547.2, NM_001280548.2, NM_001280549.2 and 2 more transcripts); c.154T>C, p.Ser52Pro (NM_001280551.2, NM_001280556.2); c.280T>C, p.Ser94Pro (NM_001280555.2); c.475+3699T>C (NM_001280553.2, NM_001280554.2); short protein forms S52P, S94P, S160P.
Identifiers: ClinVar variation 2851227 (VCV002851227.4), dbSNP rs962380284, ClinGen allele CA193162090.